The following is an entry in ClinVar:

NM_153006.3(NAGS):c.1270T>A (p.Tyr424Asn)

Gene: NAGS (N-acetylglutamate synthase; plus strand). Cytogenetic location: 17q21.31.
Variant type: single nucleotide variant.
Coding change: c.1270T>A on transcript NM_153006.3 (MANE Select); coding-DNA position 1270, T replaced by A.
Protein change: p.Tyr424Asn; replaces tyrosine 424 with asparagine.
Molecular consequence: missense variant.
Genome position (GRCh38, 1-based): chr17:44,007,592, T>A. VCF-style: chr17-44007592-T-A. GRCh37 (hg19) VCF-style: chr17-42084960-T-A.
Other names: short protein forms Y424N.
Identifiers: ClinVar variation 529423 (VCV000529423.10), dbSNP rs1555620800, ClinGen allele CA399727375.
Genomic context (GRCh38, chr17:44,007,592, plus strand): 5'-CAGTCGGGCAGCTTCGGACCAAGGAGAGGTCCCAGCCTGCCGCTCTCCCGCTGCGCCAGG[T>A]ACAACGCCGCCGCCATTCTGACCATGGAGCCCGTCCTGGGGGGCACCCCGTACCTGGACA-3'
Protein context (NP_694551.1, residues 414-434): RLHSIYVSEG[Tyr424Asn]NAAAILTMEP

ClinVar aggregate classification (germline): Uncertain significance. Review status: criteria provided, single submitter (1 of 4 stars). 2 submissions from 2 submitters: Uncertain significance (1). 1 of the submissions does not count toward it. Last evaluated 2021-08-13.

Conditions:
Hyperammonemia, type III (NAGSD). Also called: Hyperammonemia due to N-acetylglutamate synthase deficiency. Identifiers: Orphanet 927, MedGen C0268543, MONDO:0009377, OMIM 237310.

Allele frequency attached by ClinVar (database versions not stated): gnomAD 0.00001; TOPMed 0.00002.
gnomAD v4.1: 2 of 1,609,580 alleles (0.00012%); highest among the groups gnomAD compares: Admixed American, 0.0017%; no homozygotes.

Submissions (2):

Labcorp Genetics (formerly Invitae), Labcorp
Classification: Uncertain significance for Hyperammonemia, type III. Last evaluated: 2021-08-13. Review status: criteria provided, single submitter. Criteria: Invitae Variant Classification Sherloc (09022015). Collection method: clinical testing. Allele origin: germline.
Comment: This sequence change replaces tyrosine with asparagine at codon 424 of the NAGS protein (p.Tyr424Asn). The tyrosine residue is highly conserved and there is a large physicochemical difference between tyrosine and asparagine. This variant is not present in population databases (ExAC no frequency). This missense change has been observed in individual(s) with clinical features of NAGS-related conditions (Invitae). Algorithms developed to predict the effect of missense changes on protein structure and function (SIFT, PolyPhen-2, Align-GVGD) all suggest that this variant is likely to be disruptive. In summary, the available evidence is currently insufficient to determine the role of this variant in disease. Therefore, it has been classified as a Variant of Uncertain Significance.

Natera, Inc.
Classification: Uncertain significance for Hyperammonemia type III. Last evaluated: 2021-10-05. Review status: no assertion criteria provided. Collection method: clinical testing. Allele origin: germline. Not counted in ClinVar's aggregate classification.